The following is an entry in ClinVar:

ClinVar aggregate classification (germline): Uncertain significance (1 of 4 stars; one submission).

Submission:

GeneDx
Classification: Uncertain significance. Last evaluated: 2021-04-07. Review status: criteria provided, single submitter. Criteria: GeneDx Variant Classification Process June 2021. Collection method: clinical testing. Allele origin: germline. Affected: yes.
Comment: Not observed in large population cohorts (Lek et al., 2016); In silico analysis supports that this missense variant does not alter protein structure/function; Has not been previously published as pathogenic or benign to our knowledge

NM_031407.7(HUWE1):c.11332A>T (p.Met3778Leu)

Gene: HUWE1 (HECT, UBA and WWE domain containing E3 ubiquitin protein ligase 1; minus strand). Cytogenetic location: Xp11.22.
Variant type: single nucleotide variant.
Coding change: c.11332A>T on transcript NM_031407.7 (MANE Select); coding-DNA position 11332, A replaced by T.
Protein change: p.Met3778Leu; replaces methionine 3778 with leucine.
Molecular consequence: missense variant.
Genome position (GRCh38, 1-based): chrX:53,543,888, T>A on the plus strand (A>T on the coding strand, the complement: HUWE1 is on the minus strand). VCF-style: chrX-53543888-T-A. GRCh37 (hg19) VCF-style: chrX-53570849-T-A.
Other names: short protein forms M3778L.
Identifiers: ClinVar variation 1314477 (VCV001314477.2), dbSNP rs782080178, ClinGen allele CA413164224.